The following is an entry in ClinVar:

ClinVar aggregate classification (germline): Likely pathogenic (1 of 4 stars; one submission).

Conditions:
Finnish congenital nephrotic syndrome (NPHS1). Also called: NEPHROTIC SYNDROME, TYPE 1. Identifiers: Orphanet 839, MedGen C0403399, MONDO:0009732, OMIM 256300.

Submission:

Natera, Inc.
Classification: Likely pathogenic for Finnish congenital nephrotic syndrome. Last evaluated: 2025-08-21. Review status: criteria provided, single submitter. Criteria: Natera Variant Classification Schema (03/2026). Collection method: clinical testing. Allele origin: germline.
Comment: The c.531del variant in NPHS1 is a frameshift variant predicted to shift the reading frame beginning at codon 178 and leads to a stop codon 10 codons downstream. This variant is expected to result in nonsense mediated decay, truncation, or a dysfunctional protein product. This variant is rare in the general population with a frequency below the threshold expected for the associated phenotype(s). Given the available evidence, this variant is classified as Likely Pathogenic.

NM_004646.4(NPHS1):c.531del (p.Gln178fs)

Gene: NPHS1 (NPHS1 adhesion molecule, nephrin; minus strand). Cytogenetic location: 19q13.12.
Variant type: Deletion.
Coding change: c.531del on transcript NM_004646.4 (MANE Select); coding-DNA position 531, one base deleted (A; older notation c.531delA).
Protein change: p.Gln178fs; shifts the reading frame from glutamine 178.
Molecular consequence: frameshift variant.
Genome position (GRCh38, 1-based): chr19:35,850,441, T deleted on the plus strand (A on the coding strand, the reverse complement: NPHS1 is on the minus strand). VCF-style (leftmost placement, unchanged base first): chr19-35850440-GT-G. GRCh37 (hg19) VCF-style: chr19-36341342-GT-G.
Other names: c.531delA, p.Gln178Argfs (NM_004646.3); short protein forms Q178fs.
Identifiers: ClinVar variation 4815390 (VCV004815390.1).